The following is an entry in ClinVar:

ClinVar aggregate classification (germline): Conflicting classifications of pathogenicity. Review status: criteria provided, conflicting classifications (1 of 4 stars). 8 submissions from 8 submitters: Uncertain significance (3); Likely benign (1). 4 of the submissions do not count toward it. Last evaluated 2025-10-15.

Conditions:
Inborn genetic diseases. Identifiers: MedGen C0950123, MeSH D030342.
Cohen syndrome (COH1). Also called: Cutis verticis gyrata, retinitis pigmentosa, and sensorineural deafness; PEPPER SYNDROME. Identifiers: Orphanet 193, MedGen C0265223, MONDO:0008999, OMIM 216550.
VPS13B-related disorder. Also called: VPS13B-related condition.

Allele frequency attached by ClinVar (database versions not stated): TOPMed 0.00006; ExAC 0.00012; ESP Exome Variant Server 0.00015; gnomAD 0.00016; 1000 Genomes Project 0.00020; 1000 Genomes Project 30x 0.00031.
gnomAD v4.1: 91 of 1,613,852 alleles (0.0056%); highest among the groups gnomAD compares: Middle Eastern, 0.05%; 1 homozygote.

Submissions (8):

Labcorp Genetics (formerly Invitae), Labcorp
Classification: Likely benign for Cohen syndrome. Last evaluated: 2025-10-15. Review status: criteria provided, single submitter. Criteria: Invitae Variant Classification Sherloc (09022015). Collection method: clinical testing. Allele origin: germline.

GeneDx
Classification: Uncertain significance. Last evaluated: 2025-06-24. Review status: criteria provided, single submitter. Criteria: GeneDx Variant Classification Process June 2021. Collection method: clinical testing. Allele origin: germline. Affected: yes.
Comment: In silico analysis supports that this missense variant has a deleterious effect on protein structure/function; Has not been previously published as pathogenic or benign to our knowledge

Blueprint Genetics
Classification: Uncertain significance. Last evaluated: 2024-10-18. Review status: criteria provided, single submitter. Criteria: ACMG Guidelines, 2015. Collection method: clinical testing. Allele origin: germline.

Ambry Genetics
Classification: Uncertain significance for Inborn genetic diseases. Last evaluated: 2019-03-26. Review status: criteria provided, single submitter. Criteria: Ambry Variant Classification Scheme 2023. Collection method: clinical testing. Allele origin: germline.
Comment: The p.R2202H variant (also known as c.6605G>A), located in coding exon 36 of the VPS13B gene, results from a G to A substitution at nucleotide position 6605. The arginine at codon 2202 is replaced by histidine, an amino acid with highly similar properties. This amino acid position is highly conserved in available vertebrate species. In addition, the in silico prediction for this alteration is inconclusive. Since supporting evidence is limited at this time, the clinical significance of this alteration remains unclear.

PreventionGenetics, part of Exact Sciences
Classification: Uncertain significance for VPS13B-related condition. Last evaluated: 2024-06-18. Review status: no assertion criteria provided. Collection method: clinical testing. Allele origin: germline. Not counted in ClinVar's aggregate classification.
Comment: The VPS13B c.6530G>A variant is predicted to result in the amino acid substitution p.Arg2177His. To our knowledge, this variant has not been reported in the literature. This variant is reported in 0.032% of alleles in individuals of African descent in gnomAD. At this time, the clinical significance of this variant is uncertain due to the absence of conclusive functional and genetic evidence.

Natera, Inc.
Classification: Uncertain significance for Cohen syndrome. Last evaluated: 2019-11-11. Review status: no assertion criteria provided. Collection method: clinical testing. Allele origin: germline. Not counted in ClinVar's aggregate classification.

Diagnostic Laboratory, Department of Genetics, University Medical Center Groningen
Classification: Uncertain significance. Review status: no assertion criteria provided. Collection method: clinical testing. Allele origin: germline. Affected: yes. Study: VKGL Data-share Consensus. Not counted in ClinVar's aggregate classification.

Laboratory of Diagnostic Genome Analysis, Leiden University Medical Center (LUMC)
Classification: Uncertain significance. Review status: no assertion criteria provided. Collection method: clinical testing. Allele origin: germline. Affected: yes. Study: VKGL Data-share Consensus. Not counted in ClinVar's aggregate classification.

NM_152564.5(VPS13B):c.6530G>A (p.Arg2177His)

Gene: VPS13B (vacuolar protein sorting 13 homolog B; plus strand). Cytogenetic location: 8q22.2.
Variant type: single nucleotide variant.
Coding change: c.6530G>A on transcript NM_152564.5 (MANE Select); coding-DNA position 6530, G replaced by A.
Protein change: p.Arg2177His; replaces arginine 2177 with histidine.
Molecular consequence: missense variant.
Genome position (GRCh38, 1-based): chr8:99,717,246, G>A. VCF-style: chr8-99717246-G-A. GRCh37 (hg19) VCF-style: chr8-100729474-G-A.
Other names: c.6530G>A (NM_152564.4); c.6605G>A, p.Arg2202His (NM_017890.5); short protein forms R2177H, R2202H.
Identifiers: ClinVar variation 589589 (VCV000589589.21), dbSNP rs147099791, ClinGen allele CA4824022.